The following is an entry in ClinVar:

ClinVar aggregate classification (germline): Uncertain significance (1 of 4 stars; one submission).

Conditions:
RFX5-related disorder. Also called: RFX5-related condition.

Allele frequency attached by ClinVar (database versions not stated): gnomAD exomes below 0.00001; ExAC 0.00001; gnomAD 0.00005; ESP Exome Variant Server 0.00008; TOPMed 0.00008.

Submission:

PreventionGenetics, part of Exact Sciences
Classification: Uncertain significance for RFX5-related condition. Last evaluated: 2023-06-23. Review status: criteria provided, single submitter. Criteria: ACMG Guidelines, 2015. Collection method: clinical testing. Allele origin: germline.
Comment: The RFX5 c.1391G>A variant is predicted to result in the amino acid substitution p.Arg464Lys. To our knowledge, this variant has not been reported in the literature. This variant is reported in 0.016% of alleles in individuals of African descent in gnomAD. At this time, the clinical significance of this variant is uncertain due to the absence of conclusive functional and genetic evidence.

NM_001025603.2(RFX5):c.1391G>A (p.Arg464Lys)

Gene: RFX5 (regulatory factor X5; minus strand). Cytogenetic location: 1q21.3.
Variant type: single nucleotide variant.
Coding change: c.1391G>A on transcript NM_001025603.2 (MANE Select); coding-DNA position 1391, G replaced by A.
Protein change: p.Arg464Lys; replaces arginine 464 with lysine.
Molecular consequence: missense variant.
Genome position (GRCh38, 1-based): chr1:151,342,646, C>T on the plus strand (G>A on the coding strand, the complement: RFX5 is on the minus strand). VCF-style: chr1-151342646-C-T. GRCh37 (hg19) VCF-style: chr1-151315122-C-T.
Other names: c.1391G>A, p.Arg464Lys (NM_000449.4, NM_001379412.1, NM_001379413.1 and 5 more transcripts); c.1271G>A, p.Arg424Lys (NM_001379419.1, NM_001379420.1); short protein forms R424K, R464K.
Identifiers: ClinVar variation 2634797 (VCV002634797.1), dbSNP rs146064114, ClinGen allele CA1089611.
Genomic context (GRCh38, chr1:151,342,646, plus strand): 5'-AGAGGGGTAGAATTCCTTTCCCCACTTCCACCTGACTTTTTTCGAGGGCGCCCCCGTTTC[C>T]TTTTGGCATCACTTGCTGTATCCTCTATATCCTGCTTTGCTGCTTTAGCTGGTGGAGCCT-3'
Protein context (NP_001020774.1, residues 454-474): DIEDTASDAK[Arg464Lys]KRGRPRKKSG